The following is an entry in ClinVar:

NM_001035.3(RYR2):c.11054A>T (p.Asp3685Val)

Gene: RYR2 (ryanodine receptor 2; plus strand). Cytogenetic location: 1q43.
Variant type: single nucleotide variant.
Coding change: c.11054A>T on transcript NM_001035.3 (MANE Select); coding-DNA position 11054, A replaced by T.
Protein change: p.Asp3685Val; replaces aspartic acid 3685 with valine.
Molecular consequence: missense variant.
Genome position (GRCh38, 1-based): chr1:237,733,719, A>T. VCF-style: chr1-237733719-A-T. GRCh37 (hg19) VCF-style: chr1-237897019-A-T.
Other names: c.11054A>T, p.Asp3685Val (LRG_402t1); short protein forms D3685V.
Identifiers: ClinVar variation 390756 (VCV000390756.2), dbSNP rs1057523884, ClinGen allele CA064896.
Genomic context (GRCh38, chr1:237,733,719, plus strand): 5'-CTAGCCTTCTGCTTAAACACTGATGTTTTCTTCTTGCTTTCCCCAGCAAACTGGAGGAAG[A>T]TTTTTTATATATGGCCTATGCAGATATTATGGCAAAGGTAAATAAGTATCCTTCCTGATT-3'
Protein context (NP_001026.2, residues 3675-3695): ALTEKCKLEE[Asp3685Val]FLYMAYADIM

ClinVar aggregate classification (germline): Uncertain significance (1 of 4 stars; one submission).

Submission:

GeneDx
Classification: Uncertain significance. Last evaluated: 2016-11-15. Review status: criteria provided, single submitter. Criteria: GeneDx Variant Classification (06012015). Collection method: clinical testing. Allele origin: germline. Affected: yes.
Comment: A variant of uncertain significance has been identified in the RYR2 gene. The D3685V variant has not been published as a pathogenic variant, nor has it been reported as a benign variant to our knowledge. This variant was not observed in approximately 5,900 individuals of European and African American ancestry in the NHLBI Exome Sequencing Project, indicating it is not a common benign variant in these populations. The D3685V variant is a non-conservative amino acid substitution, which is likely to impact secondary protein structure as these residues differ in polarity, charge, size and/or other properties. This substitution occurs at a position that is conserved across species and in silico analysis predicts this variant is probably damaging to the protein structure/function. However, the D3685V variant is not located in one of the three hot-spot regions of the RYR2 gene, where the majority of pathogenic missense variants occur (Medeiros-Domingo et al., 2009).